The following is an entry in ClinVar:

NM_001077365.2(POMT1):c.1083-224G>A

Gene: POMT1 (protein O-mannosyltransferase 1; plus strand). Cytogenetic location: 9q34.13.
Variant type: single nucleotide variant.
Coding change: c.1083-224G>A on transcript NM_001077365.2 (MANE Select); 224 bases into the intron before coding-DNA position 1083, G replaced by A.
Molecular consequence: intron variant.
Genome position (GRCh38, 1-based): chr9:131,513,015, G>A. VCF-style: chr9-131513015-G-A. GRCh37 (hg19) VCF-style: chr9-134388402-G-A.
Other names: c.987-224G>A (NM_001353198.2, NM_001353197.2); c.1149-224G>A (NM_001353193.2, NM_007171.4); c.1083-224G>A (NM_001136113.2, NM_001374690.1); c.921-224G>A (NM_001353194.2, NM_001077366.2); c.732-224G>A (NM_001374691.1, NM_001353195.2, NM_001374692.1 and 1 more transcripts); c.993-224G>A (NM_001353196.2); c.693-224G>A (NM_001374695.1); c.1071-224G>A (NM_001374689.1); and 3 more.
Identifiers: ClinVar variation 668007 (VCV000668007.2), dbSNP rs77125240, ClinGen allele CA13040143.

ClinVar aggregate classification (germline): Likely benign. Review status: criteria provided, multiple submitters, no conflicts (2 of 4 stars). 2 submissions from 2 submitters: Likely benign (2). Last evaluated 2018-06-19.

Allele frequency attached by ClinVar (database versions not stated): gnomAD 0.04245 and 0.04317; TOPMed 0.05138; 1000 Genomes Project 0.05252; 1000 Genomes Project 30x 0.05325.
gnomAD v4.1: 6,627 of 152,284 alleles (4.4%); highest among the groups gnomAD compares: Admixed American, 11%; 242 homozygotes.

Submissions (2):

GeneDx
Classification: Likely benign. Last evaluated: 2018-06-19. Review status: criteria provided, single submitter. Criteria: GeneDx Variant Classification (06012015). Collection method: clinical testing. Allele origin: germline. Affected: yes.
Comment: This variant is considered likely benign or benign based on one or more of the following criteria: it is a conservative change, it occurs at a poorly conserved position in the protein, it is predicted to be benign by multiple in silico algorithms, and/or has population frequency not consistent with disease.

Breakthrough Genomics
Classification: Likely benign. Review status: criteria provided, single submitter. Criteria: ACMG Guidelines, 2015. Collection method: not provided. Allele origin: germline. Inheritance: Autosomal recessive inheritance. Affected: yes.